The following is an entry in ClinVar:

NM_004136.4(IREB2):c.2353G>A (p.Gly785Arg)

Gene: IREB2 (iron responsive element binding protein 2; plus strand). Cytogenetic location: 15q25.1.
Variant type: single nucleotide variant.
Coding change: c.2353G>A on transcript NM_004136.4 (MANE Select); coding-DNA position 2353, G replaced by A.
Protein change: p.Gly785Arg; replaces glycine 785 with arginine.
Molecular consequence: missense variant.
Genome position (GRCh38, 1-based): chr15:78,493,937, G>A. VCF-style: chr15-78493937-G-A. GRCh37 (hg19) VCF-style: chr15-78786279-G-A.
Other names: NC_000015.9:g.78786279G>A; c.1603G>A, p.Gly535Arg (NM_001320941.2); c.2182G>A, p.Gly728Arg (NM_001320942.2, NM_001354994.2); short protein forms G785R, G535R, G728R.
Identifiers: ClinVar variation 694293 (VCV000694293.4), dbSNP rs1596016998, ClinGen allele CA393566298.

ClinVar aggregate classification (germline): Uncertain significance. Review status: criteria provided, single submitter (1 of 4 stars). 2 submissions from 2 submitters: Uncertain significance (1). 1 of the submissions does not count toward it. Last evaluated 2018-09-16.

Conditions:
NEURODEGENERATION, EARLY-ONSET, WITH CHOREOATHETOSIS AND MICROCYTIC ANEMIA.
Neurodegeneration, early-onset, with choreoathetoid movements and microcytic anemia. Identifiers: MedGen C5193104, MONDO:0032758, OMIM 618451.

Allele frequency attached by ClinVar (database versions not stated): gnomAD exomes 0.00001.
gnomAD v4.1: 8 of 1,613,630 alleles (0.0005%); highest among the groups gnomAD compares: Non-Finnish European, 0.00068%; no homozygotes.

Submissions (3):

Victorian Clinical Genetics Services, Murdoch Childrens Research Institute
Classification: Uncertain significance for Neurodegeneration, early-onset, with choreoathetoid movements and microcytic anemia. Last evaluated: 2018-09-16. Review status: criteria provided, single submitter. Criteria: ACMG Guidelines, 2015. Collection method: clinical testing. Allele origin: maternal. Affected: yes. Observed: 2 variant alleles.
Comment: A heterozygous missense variant, NM_004136.4(IREB2):c.2353G>A, has been identified in exon 19 of 22 of the IREB2 gene. Note: This variant is non-coding in an alternative transcript. The variant is predicted to result in a major amino acid change from glycine to arginine at position 785 of the protein (NP_004127.2(IREB2):p.(Gly785Arg)). The glycine residue at this position has very high conservation (100 vertebrates, UCSC), and is located within the aconitase C-terminal domain. In silico predictions for this variant are consistently pathogenic (Polyphen, SIFT, CADD, Mutation Taster). The variant is absent in population databases (gnomAD, dbSNP, 1000G), and has not been previously reported in clinical cases. Based on the information available at the time of curation, this variant has been classified as a VARIANT of UNCERTAIN SIGNIFICANCE (VUS) with POTENTIAL CLINICAL RELEVANCE.

OMIM
Classification: Pathogenic for NEURODEGENERATION, EARLY-ONSET, WITH CHOREOATHETOSIS AND MICROCYTIC ANEMIA. Last evaluated: 2019-11-05. Review status: no assertion criteria provided. Collection method: literature only. Allele origin: germline. Not counted in ClinVar's aggregate classification.

Dr. Peter K. Rogan Lab, Western University
No classification provided (evidence only). Condition: Melanoma. Review status: no classification provided. Collection method: in vitro. Allele origin: not applicable. Functional consequence: retained intron. Not counted in ClinVar's aggregate classification.

Literature cited by the submitters: PubMed 31243445 (cited by OMIM).